The following is an entry in ClinVar:

NM_000088.4(COL1A1):c.544G>T (p.Gly182Cys)

Gene: COL1A1 (collagen type I alpha 1 chain; minus strand). Cytogenetic location: 17q21.33.
Variant type: single nucleotide variant.
Coding change: c.544G>T on transcript NM_000088.4 (MANE Select); coding-DNA position 544, G replaced by T.
Protein change: p.Gly182Cys; replaces glycine 182 with cysteine.
Molecular consequence: missense variant.
Genome position (GRCh38, 1-based): chr17:50,198,205, C>A on the plus strand (G>T on the coding strand, the complement: COL1A1 is on the minus strand). VCF-style: chr17-50198205-C-A. GRCh37 (hg19) VCF-style: chr17-48275566-C-A.
Other names: short protein forms G182C.
Identifiers: ClinVar variation 2844235 (VCV002844235.4), dbSNP rs1439626978, ClinGen allele CA400225772.
Genomic context (GRCh38, chr17:50,198,205, plus strand): 5'-CGTCCTGGATACTCACAGGTGCACCAGGGGGGCCAGGGAGACCACGAGGACCAGAGGGAC[C>A]CTATAGAGGGAGAAGAAAGGGGGGTCATGGTGATCCCTCTGTAGGAAAGCATGTGGATGT-3'
Protein context (NP_000079.2, residues 172-192): TGGISVPGPM[Gly182Cys]PSGPRGLPGP

ClinVar aggregate classification (germline): Likely pathogenic. Review status: criteria provided, multiple submitters, no conflicts (2 of 4 stars). 2 submissions from 2 submitters: Likely pathogenic (2). Last evaluated 2025-09-11.

Conditions:
Osteogenesis imperfecta type I (OI1). Also called: Lobstein's Disease; Lobstein disease; Classic Non-deforming Osteogenesis Imperfecta with Blue Sclerae; OI, TYPE I; OSTEOGENESIS IMPERFECTA TARDA; OSTEOGENESIS IMPERFECTA WITH BLUE SCLERAE. Identifiers: Orphanet 216796, Orphanet 666, MedGen C0023931, MONDO:0008146, OMIM 166200. Disease mechanism: loss of function.

Allele frequency attached by ClinVar (database versions not stated): TOPMed below 0.00001; gnomAD 0.00001.

Submissions (2):

Women's Health and Genetics/Laboratory Corporation of America, LabCorp
Classification: Likely pathogenic for Osteogenesis imperfecta type I. Last evaluated: 2025-09-11. Review status: criteria provided, single submitter. Criteria: LabCorp Variant Classification Summary - May 2015. Collection method: clinical testing. Allele origin: germline.
Comment: Variant summary: COL1A1 c.544G>T (p.Gly182Cys) results in a non-conservative amino acid change in the encoded protein sequence within the triple-helical region (UniProt) of the encoded protein sequence. This missense variant disrupts a critical glycine residue at position 1 of a Gly-X-Y repeat in the collagenous domain of the collagen type I alpha 1 chain. Alterations of glycine residues within the collagen triple-helix are common mechanisms of disease. Algorithms developed to predict the effect of missense changes on protein structure and function all suggest that this variant is likely to be disruptive. Consensus agreement among computation tools predict no significant impact on normal splicing. However, these predictions have yet to be confirmed by functional studies. The variant was absent in 250494 control chromosomes. To our knowledge, no occurrence of c.544G>T in individuals affected with COL1A1-related conditions and no experimental evidence demonstrating its impact on protein function have been reported. ClinVar contains an entry for this variant (Variation ID: 2844235). Based on the evidence outlined above, the variant was classified as likely pathogenic.

Labcorp Genetics (formerly Invitae), Labcorp
Classification: Likely pathogenic for Osteogenesis imperfecta type I. Last evaluated: 2023-12-20. Review status: criteria provided, single submitter. Criteria: Invitae Variant Classification Sherloc (09022015). Collection method: clinical testing. Allele origin: germline.
Comment: This sequence change replaces glycine, which is neutral and non-polar, with cysteine, which is neutral and slightly polar, at codon 182 of the COL1A1 protein (p.Gly182Cys). This variant is not present in population databases (gnomAD no frequency). This variant has not been reported in the literature in individuals affected with COL1A1-related conditions. Experimental studies and prediction algorithms are not available or were not evaluated, and the functional significance of this variant is currently unknown. This variant disrupts the triple helix domain of COL1A1. Glycine residues within the Gly-Xaa-Yaa repeats of the triple helix domain are required for the structure and stability of fibrillar collagens (PMID: 7695699, 8218237, 19344236). In COL1A1, variants affecting these glycine residues are significantly enriched in individuals with disease (PMID: 9016532, 17078022) compared to the general population (ExAC). In summary, the currently available evidence indicates that the variant is pathogenic, but additional data are needed to prove that conclusively. Therefore, this variant has been classified as Likely Pathogenic.

Literature cited by the submitters: PubMed 7695699 (cited by Labcorp Genetics (formerly Invitae), Labcorp); PubMed 8218237 (cited by Labcorp Genetics (formerly Invitae), Labcorp); PubMed 19344236 (cited by Labcorp Genetics (formerly Invitae), Labcorp); PubMed 9016532 (cited by Labcorp Genetics (formerly Invitae), Labcorp); PubMed 17078022 (cited by Labcorp Genetics (formerly Invitae), Labcorp).